The following is an entry in ClinVar:

ClinVar aggregate classification (germline): Likely benign (1 of 4 stars; one submission).

Allele frequency attached by ClinVar (database versions not stated): 1000 Genomes Project 30x 0.00016; ExAC 0.00017; 1000 Genomes Project 0.00020; gnomAD 0.00027; TOPMed 0.00028; ESP Exome Variant Server 0.00031.
gnomAD v4.1: 683 of 1,611,160 alleles (0.042%); highest among the groups gnomAD compares: Non-Finnish European, 0.054%; no homozygotes.

Submissions (2):

CeGaT Center for Human Genetics Tuebingen
Classification: Likely benign. Last evaluated: 2024-03-01. Review status: criteria provided, single submitter. Criteria: CeGaT Center For Human Genetics Tuebingen Variant Classification Criteria Version 2. Collection method: clinical testing. Allele origin: germline. Affected: yes. Observed: 1 variant allele.
Comment: BPTF: BP4, BP7

Dr. Peter K. Rogan Lab, Western University
No classification provided (evidence only). Condition: Familial cancer of breast. Review status: no classification provided. Collection method: in vitro. Allele origin: not applicable. Functional consequence: retained intron. Not counted in ClinVar's aggregate classification.

NM_182641.4(BPTF):c.2061G>C (p.Leu687=)

Gene: BPTF (bromodomain PHD finger transcription factor; plus strand). Cytogenetic location: 17q24.2.
Variant type: single nucleotide variant.
Coding change: c.2061G>C on transcript NM_182641.4 (MANE Select); coding-DNA position 2061, G replaced by C.
Protein change: p.Leu687=; no amino-acid change (leucine 687 retained).
Molecular consequence: synonymous variant.
Genome position (GRCh38, 1-based): chr17:67,893,375, G>C. VCF-style: chr17-67893375-G-C. GRCh37 (hg19) VCF-style: chr17-65889491-G-C.
Other names: NC_000017.10:g.65889491G>C; c.2439G>C, p.Leu813= (NM_004459.7).
Identifiers: ClinVar variation 3067271 (VCV003067271.22), dbSNP rs370076082, ClinGen allele CA8725384.